The following is an entry in ClinVar:

ClinVar aggregate classification (germline): Benign/Likely benign. Review status: criteria provided, multiple submitters, no conflicts (2 of 4 stars). 3 submissions from 3 submitters: Benign (2); Likely benign (1). Last evaluated 2025-06-12.

Conditions:
Isolated focal non-epidermolytic palmoplantar keratoderma. Also called: Palmoplantar keratoderma, nonepidermolytic, focal 2. Identifiers: Orphanet 448264, MedGen C4225339, MONDO:0014622, OMIM 616400.

Allele frequency attached by ClinVar (database versions not stated): gnomAD 0.00024 and 0.00017; gnomAD exomes 0.00029 and 0.00060; ExAC 0.00065; 1000 Genomes Project 30x 0.00016; TOPMed 0.00019; 1000 Genomes Project 0.00020; ESP Exome Variant Server 0.00023.

Submissions (3):

Labcorp Genetics (formerly Invitae), Labcorp
Classification: Benign. Last evaluated: 2025-06-12. Review status: criteria provided, single submitter. Criteria: Invitae Variant Classification Sherloc (09022015). Collection method: clinical testing. Allele origin: germline.

CeGaT Center for Human Genetics Tuebingen
Classification: Likely benign. Last evaluated: 2025-03-01. Review status: criteria provided, single submitter. Criteria: CeGaT Center For Human Genetics Tuebingen Variant Classification Criteria Version 2. Collection method: clinical testing. Allele origin: germline. Affected: yes. Observed: 1 variant allele.
Comment: TRPV3: BP4, BP7

Illumina Laboratory Services, Illumina
Classification: Benign for Isolated focal non-epidermolytic palmoplantar keratoderma. Last evaluated: 2018-01-12. Review status: criteria provided, single submitter. Criteria: ICSL Variant Classification Criteria 13 December 2019. Collection method: clinical testing. Allele origin: germline.
Comment: This variant was observed in the ICSL laboratory as part of a predisposition screen in an ostensibly healthy population. It had not been previously curated by ICSL or reported in the Human Gene Mutation Database (HGMD: prior to June 1st, 2018), and was therefore a candidate for classification through an automated scoring system. Utilizing variant allele frequency, disease prevalence and penetrance estimates, and inheritance mode, an automated score was calculated to assess if this variant is too frequent to cause the disease. Based on the score and internal cut-off values, a variant classified as benign is not then subjected to further curation. The score for this variant resulted in a classification of benign for this disease.

NM_145068.4(TRPV3):c.1044C>T (p.Ala348=)

Gene: TRPV3 (transient receptor potential cation channel subfamily V member 3; minus strand). Cytogenetic location: 17p13.2.
Variant type: single nucleotide variant.
Coding change: c.1044C>T on transcript NM_145068.4 (MANE Select); coding-DNA position 1044, C replaced by T.
Protein change: p.Ala348=; no amino-acid change (alanine 348 retained).
Molecular consequence: synonymous variant.
Genome position (GRCh38, 1-based): chr17:3,532,678, G>A on the plus strand (C>T on the coding strand, the complement: TRPV3 is on the minus strand). VCF-style: chr17-3532678-G-A. GRCh37 (hg19) VCF-style: chr17-3435972-G-A.
Other names: c.1044C>T, p.Ala348= (NM_001258205.2).
Identifiers: ClinVar variation 322781 (VCV000322781.15), dbSNP rs139733808, ClinGen allele CA8289632.